The following is an entry in ClinVar:

NM_144631.6(ZNF513):c.1489G>A (p.Gly497Ser)

Gene: ZNF513 (zinc finger protein 513; minus strand). Cytogenetic location: 2p23.3.
Variant type: single nucleotide variant.
Coding change: c.1489G>A on transcript NM_144631.6 (MANE Select); coding-DNA position 1489, G replaced by A.
Protein change: p.Gly497Ser; replaces glycine 497 with serine.
Molecular consequence: missense variant.
Genome position (GRCh38, 1-based): chr2:27,377,682, C>T on the plus strand (G>A on the coding strand, the complement: ZNF513 is on the minus strand). VCF-style: chr2-27377682-C-T. GRCh37 (hg19) VCF-style: chr2-27600549-C-T.
Other names: c.1303G>A, p.Gly435Ser (NM_001201459.2); short protein forms G435S, G497S.
Identifiers: ClinVar variation 1353198 (VCV001353198.8), dbSNP rs201710240, ClinGen allele CA1577792.

ClinVar aggregate classification (germline): Uncertain significance (1 of 4 stars; one submission).

Allele frequency attached by ClinVar (database versions not stated): 1000 Genomes Project 30x 0.00031; 1000 Genomes Project 0.00040.
gnomAD v4.1: 35 of 1,614,178 alleles (0.0022%); highest among the groups gnomAD compares: East Asian, 0.0045%; no homozygotes.

Submission:

Labcorp Genetics (formerly Invitae), Labcorp
Classification: Uncertain significance. Last evaluated: 2025-01-19. Review status: criteria provided, single submitter. Criteria: Invitae Variant Classification Sherloc (09022015). Collection method: clinical testing. Allele origin: germline.
Comment: This sequence change replaces glycine, which is neutral and non-polar, with serine, which is neutral and polar, at codon 497 of the ZNF513 protein (p.Gly497Ser). This variant is present in population databases (rs201710240, gnomAD 0.005%). This variant has not been reported in the literature in individuals affected with ZNF513-related conditions. ClinVar contains an entry for this variant (Variation ID: 1353198). An algorithm developed to predict the effect of missense changes on protein structure and function (PolyPhen-2) suggests that this variant is likely to be disruptive. In summary, the available evidence is currently insufficient to determine the role of this variant in disease. Therefore, it has been classified as a Variant of Uncertain Significance.